The following is an entry in ClinVar:

NM_020911.2(PLXNA4):c.3729A>G (p.Ala1243=)

Gene: PLXNA4 (plexin A4; minus strand). Cytogenetic location: 7q32.3.
Variant type: single nucleotide variant.
Coding change: c.3729A>G on transcript NM_020911.2 (MANE Select); coding-DNA position 3729, A replaced by G.
Protein change: p.Ala1243=; no amino-acid change (alanine 1243 retained).
Molecular consequence: synonymous variant.
Genome position (GRCh38, 1-based): chr7:132,179,832, T>C on the plus strand (A>G on the coding strand, the complement: PLXNA4 is on the minus strand). VCF-style: chr7-132179832-T-C. GRCh37 (hg19) VCF-style: chr7-131864591-T-C.
Other names: c.3729A>G, p.Ala1243= (NM_001393897.1).
Identifiers: ClinVar variation 3059545 (VCV003059545.2), dbSNP rs3734989, ClinGen allele CA4489394.

ClinVar aggregate classification (germline): Benign (0 of 4 stars; one submission).

Conditions:
PLXNA4-related disorder. Also called: PLXNA4-related condition.

Allele frequency attached by ClinVar (database versions not stated): gnomAD exomes 0.62789; ExAC 0.67699; gnomAD 0.70788; ESP Exome Variant Server 0.71802; TOPMed 0.72272; 1000 Genomes Project 0.78235; 1000 Genomes Project 30x 0.78841.
gnomAD v4.1: 1,026,052 of 1,612,576 alleles (64%); highest among the groups gnomAD compares: African/African-American, 93%; 333,777 homozygotes.

Submission:

PreventionGenetics, part of Exact Sciences
Classification: Benign for PLXNA4-related condition. Last evaluated: 2022-07-19. Review status: no assertion criteria provided. Collection method: clinical testing. Allele origin: germline.
Comment: This variant is classified as benign based on ACMG/AMP sequence variant interpretation guidelines (Richards et al. 2015 PMID: 25741868, with internal and published modifications).